The following is an entry in ClinVar:

ClinVar aggregate classification (germline): Uncertain significance. Review status: criteria provided, multiple submitters, no conflicts (2 of 4 stars). 4 submissions from 4 submitters: Uncertain significance (4). Last evaluated 2025-08-08.

Conditions:
Cardiovascular phenotype. Identifiers: MedGen CN230736.
Brittle cornea syndrome 2 (BCS2). Identifiers: Orphanet 90354, MedGen C3280011, MONDO:0013605, OMIM 614170.

Allele frequency attached by ClinVar (database versions not stated): gnomAD 0.00003; TOPMed 0.00003.
gnomAD v4.1: 33 of 1,611,594 alleles (0.002%); highest among the groups gnomAD compares: East Asian, 0.0089%; no homozygotes.

Submissions (4):

Ambry Genetics
Classification: Uncertain significance for Cardiovascular phenotype. Last evaluated: 2025-08-08. Review status: criteria provided, single submitter. Criteria: Ambry Variant Classification Scheme 2023. Collection method: clinical testing. Allele origin: germline.
Comment: The c.650+5G>A intronic variant results from a G to A substitution 5 nucleotides after coding exon 5 in the PRDM5 gene. This nucleotide position is highly conserved in available vertebrate species. In silico splice site analysis predicts that this alteration will weaken the native splice donor site and may result in the creation or strengthening of a novel splice donor site. Based on the available evidence, the clinical significance of this variant remains unclear.

Labcorp Genetics (formerly Invitae), Labcorp
Classification: Uncertain significance. Last evaluated: 2022-02-18. Review status: criteria provided, single submitter. Criteria: Invitae Variant Classification Sherloc (09022015). Collection method: clinical testing. Allele origin: germline.
Comment: This sequence change falls in intron 5 of the PRDM5 gene. It does not directly change the encoded amino acid sequence of the PRDM5 protein. It affects a nucleotide within the consensus splice site. This variant is present in population databases (rs754469516, gnomAD 0.02%). This variant has not been reported in the literature in individuals affected with PRDM5-related conditions. ClinVar contains an entry for this variant (Variation ID: 347447). Variants that disrupt the consensus splice site are a relatively common cause of aberrant splicing (PMID: 17576681, 9536098). Algorithms developed to predict the effect of sequence changes on RNA splicing suggest that this variant may disrupt the consensus splice site. In summary, the available evidence is currently insufficient to determine the role of this variant in disease. Therefore, it has been classified as a Variant of Uncertain Significance.

Illumina Laboratory Services, Illumina
Classification: Uncertain significance for Brittle cornea syndrome 2. Last evaluated: 2018-01-13. Review status: criteria provided, single submitter. Criteria: ICSL Variant Classification Criteria 13 December 2019. Collection method: clinical testing. Allele origin: germline.

GeneDx
Classification: Uncertain significance. Last evaluated: 2017-02-16. Review status: criteria provided, single submitter. Criteria: GeneDx Variant Classification (06012015). Collection method: clinical testing. Allele origin: germline. Affected: yes.
Comment: The c.650+5G>A variant in the PRDM5 gene has not been reported previously as a pathogenic variant nor as a benign variant, to our knowledge. The c.650+5G>A variant may cause abnormal gene splicing, however, in silico analysis is inconsistent in its predictions as to whether or not the c.650+5G>A variant reduces the quality of the splice donor site in intron 5. The c.650+5G>A variant is not observed in large population cohorts (Lek et al., 2016; 1000 Genomes Consortium et al., 2015; Exome Variant Server). We interpret c.650+5G>A as a variant of uncertain significance.

Literature cited by the submitters: PubMed 17576681 (cited by Labcorp Genetics (formerly Invitae), Labcorp); PubMed 9536098 (cited by Labcorp Genetics (formerly Invitae), Labcorp).

NM_018699.4(PRDM5):c.650+5G>A

Gene: PRDM5 (PR/SET domain 5; minus strand). Cytogenetic location: 4q27.
Variant type: single nucleotide variant.
Coding change: c.650+5G>A on transcript NM_018699.4 (MANE Select); 5 bases into the intron after coding-DNA position 650, G replaced by A.
Molecular consequence: intron variant.
Genome position (GRCh38, 1-based): chr4:120,818,348, C>T on the plus strand (G>A on the coding strand, the complement: PRDM5 is on the minus strand). VCF-style: chr4-120818348-C-T. GRCh37 (hg19) VCF-style: chr4-121739503-C-T.
Other names: c.650+5G>A (NM_001300824.2, NM_001379106.1, NM_001300823.2 and 1 more transcripts).
Identifiers: ClinVar variation 347447 (VCV000347447.8), dbSNP rs754469516, ClinGen allele CA3061346.